The following is an entry in ClinVar:

NM_181426.2(CCDC39):c.610-2A>C

Gene: CCDC39 (coiled-coil domain 39 molecular ruler complex subunit; minus strand). Cytogenetic location: 3q26.33.
Variant type: single nucleotide variant.
Coding change: c.610-2A>C on transcript NM_181426.2 (MANE Select); the canonical splice acceptor site of the intron before coding-DNA position 610, A replaced by C.
Molecular consequence: splice acceptor variant.
Genome position (GRCh38, 1-based): chr3:180,659,582, T>G on the plus strand (A>C on the coding strand, the complement: CCDC39 is on the minus strand). VCF-style: chr3-180659582-T-G. GRCh37 (hg19) VCF-style: chr3-180377370-T-G.
Identifiers: ClinVar variation 2180412 (VCV002180412.4), dbSNP rs756235547, ClinGen allele CA355302468.
Genomic context (GRCh38, chr3:180,659,582, plus strand): 5'-AGTTCTTGTCTTTCATTATGAATCTTACGAAAATCTTGTGCTGCTTTATCCAATTCTAAC[T>G]GTCAAACAGAGAGCAAAGAACATTTCTGTGAATTTAAGTGGTTTTGCAAACATCACCTTG-3'

ClinVar aggregate classification (germline): Pathogenic (1 of 4 stars; one submission).

Conditions:
Primary ciliary dyskinesia. Also called: Ciliary dyskinesia. Identifiers: Orphanet 244, MedGen C0008780, MONDO:0016575, HP:0012265.

gnomAD v4.1: 8 of 1,610,304 alleles (0.0005%); highest among the groups gnomAD compares: Non-Finnish European, 0.00068%; no homozygotes.

Submission:

Labcorp Genetics (formerly Invitae), Labcorp
Classification: Pathogenic for Primary ciliary dyskinesia. Last evaluated: 2022-09-20. Review status: criteria provided, single submitter. Criteria: Invitae Variant Classification Sherloc (09022015). Collection method: clinical testing. Allele origin: germline.
Comment: For these reasons, this variant has been classified as Pathogenic. Algorithms developed to predict the effect of sequence changes on RNA splicing suggest that this variant may disrupt the consensus splice site. Disruption of this splice site has been observed in individuals with primary ciliary dyskinesia (PMID: 21131972, 23891469). This variant is not present in population databases (gnomAD no frequency). This sequence change affects an acceptor splice site in intron 5 of the CCDC39 gene. It is expected to disrupt RNA splicing. Variants that disrupt the donor or acceptor splice site typically lead to a loss of protein function (PMID: 16199547), and loss-of-function variants in CCDC39 are known to be pathogenic (PMID: 21131972, 23255504).

Literature cited by the submitters: PubMed 21131972; PubMed 23891469; PubMed 16199547; PubMed 23255504.